The following is an entry in ClinVar:

ClinVar aggregate classification (germline): Pathogenic (1 of 4 stars; one submission).

Conditions:
Joubert syndrome. Also called: CEREBELLOPARENCHYMAL DISORDER IV; JOUBERT-BOLTSHAUSER SYNDROME; Familial aplasia of the vermis. Identifiers: Orphanet 475, MedGen C5979921, MONDO:0018772.
Meckel-Gruber syndrome. Also called: DYSENCEPHALIA SPLANCHNOCYSTICA; GRUBER SYNDROME; Dysencephalia splachnocystica. Identifiers: Orphanet 564, MedGen C0265215, MONDO:0018921.

gnomAD v4.1: 2 of 1,608,472 alleles (0.00012%); highest among the groups gnomAD compares: South Asian, 0.0022%; no homozygotes.

Submission:

Labcorp Genetics (formerly Invitae), Labcorp
Classification: Pathogenic for Joubert syndrome; Meckel-Gruber syndrome. Last evaluated: 2023-08-04. Review status: criteria provided, single submitter. Criteria: Invitae Variant Classification Sherloc (09022015). Collection method: clinical testing. Allele origin: germline.
Comment: Disruption of this splice site has been observed in individual(s) with clinical features of Joubert syndrome (PMID: 26075130). For these reasons, this variant has been classified as Pathogenic. Algorithms developed to predict the effect of sequence changes on RNA splicing suggest that this variant may disrupt the consensus splice site. This variant is not present in population databases (gnomAD no frequency). This sequence change affects an acceptor splice site in intron 13 of the TMEM67 gene. It is expected to disrupt RNA splicing. Variants that disrupt the donor or acceptor splice site typically lead to a loss of protein function (PMID: 16199547), and loss-of-function variants in TMEM67 are known to be pathogenic (PMID: 20232449, 23559409).

Literature cited by the submitters: PubMed 26075130; PubMed 16199547; PubMed 20232449; PubMed 23559409.

NM_153704.6(TMEM67):c.1413-1G>A

Gene: TMEM67 (transmembrane protein 67; plus strand). Cytogenetic location: 8q22.1.
Variant type: single nucleotide variant.
Coding change: c.1413-1G>A on transcript NM_153704.6 (MANE Select); the canonical splice acceptor site of the intron before coding-DNA position 1413, G replaced by A.
Molecular consequence: splice acceptor variant.
Genome position (GRCh38, 1-based): chr8:93,787,843, G>A. VCF-style: chr8-93787843-G-A. GRCh37 (hg19) VCF-style: chr8-94800071-G-A.
Other names: c.1170-1G>A (NM_001142301.1).
Identifiers: ClinVar variation 2925438 (VCV002925438.3), dbSNP rs386834185, ClinGen allele CA371689944.